The following is an entry in ClinVar:

NM_004360.5(CDH1):c.49-1G>A

Gene: CDH1 (cadherin 1; plus strand). Cytogenetic location: 16q22.1.
Variant type: single nucleotide variant.
Coding change: c.49-1G>A on transcript NM_004360.5 (MANE Select); the canonical splice acceptor site of the intron before coding-DNA position 49, G replaced by A.
Molecular consequence: splice acceptor variant.
Genome position (GRCh38, 1-based): chr16:68,738,296, G>A. VCF-style: chr16-68738296-G-A. GRCh37 (hg19) VCF-style: chr16-68772199-G-A.
Other names: c.-1567-1G>A (NM_001317185.2); c.-1771-1G>A (NM_001317186.2); c.49-1G>A (NM_001317184.2, NM_004360.3).
Identifiers: ClinVar variation 2836868 (VCV002836868.4), dbSNP rs2152114329, ClinGen allele CA396451556.
Genomic context (GRCh38, chr16:68,738,296, plus strand): 5'-TCGGTGAGCAGGAGGGAACCCTCCGAGTCACCCGGTTCCATCTACCTTTCCCCCACCCCA[G>A]GTCTCCTCTTGGCTCTGCCAGGAGCCGGAGCCCTGCCACCCTGGCTTTGACGCCGAGAGC-3'

ClinVar aggregate classification (germline): Pathogenic/Likely pathogenic. Review status: criteria provided, multiple submitters, no conflicts (2 of 4 stars). 2 submissions from 2 submitters: Pathogenic (1); Likely pathogenic (1). Last evaluated 2024-04-17.

Conditions:
Hereditary cancer-predisposing syndrome. Also called: Neoplastic Syndromes, Hereditary; Tumor predisposition; Hereditary Cancer Syndrome; Hereditary neoplastic syndrome. Identifiers: Orphanet 140162, MedGen C0027672, MeSH D009386, MONDO:0015356.
Hereditary diffuse gastric adenocarcinoma (HDGC). Also called: DIFFUSE GASTRIC AND LOBULAR BREAST CANCER SYNDROME. Identifiers: Orphanet 26106, MedGen C1708349, MONDO:0007648, OMIM 137215.

Submissions (2):

Ambry Genetics
Classification: Likely pathogenic for Hereditary cancer-predisposing syndrome. Last evaluated: 2024-04-17. Review status: criteria provided, single submitter. Criteria: Ambry Variant Classification Scheme 2023. Collection method: clinical testing. Allele origin: germline.
Comment: The c.49-1G>A intronic variant results from a G to A substitution one nucleotide upstream from coding exon 2 of the CDH1 gene. This nucleotide position is highly conserved in available vertebrate species. In silico splice site analysis predicts that this alteration will weaken the native splice acceptor site and will result in the creation or strengthening of a novel splice acceptor site; however, direct evidence is insufficient at this time (Ambry internal data). This variant is considered to be rare based on population cohorts in the Genome Aggregation Database (gnomAD). Alterations that disrupt the canonical splice site are expected to cause aberrant splicing, resulting in an abnormal protein or a transcript that is subject to nonsense-mediated mRNA decay. As such, this alteration is classified as likely pathogenic.

Labcorp Genetics (formerly Invitae), Labcorp
Classification: Pathogenic for Hereditary diffuse gastric adenocarcinoma. Last evaluated: 2023-02-14. Review status: criteria provided, single submitter. Criteria: Invitae Variant Classification Sherloc (09022015). Collection method: clinical testing. Allele origin: germline.
Comment: Algorithms developed to predict the effect of sequence changes on RNA splicing suggest that this variant may disrupt the consensus splice site. Disruption of this splice site has been observed in individuals with hereditary diffuse gastric cancer (PMID: 10072428, 28688938). This variant is not present in population databases (gnomAD no frequency). This sequence change affects an acceptor splice site in intron 1 of the CDH1 gene. It is expected to disrupt RNA splicing. Variants that disrupt the donor or acceptor splice site typically lead to a loss of protein function (PMID: 16199547), and loss-of-function variants in CDH1 are known to be pathogenic (PMID: 15235021, 20373070). For these reasons, this variant has been classified as Pathogenic.

Literature cited by the submitters: PubMed 10072428 (cited by Ambry Genetics and Labcorp Genetics (formerly Invitae), Labcorp); PubMed 28688938 (cited by Ambry Genetics and Labcorp Genetics (formerly Invitae), Labcorp); PubMed 16199547 (cited by Labcorp Genetics (formerly Invitae), Labcorp); PubMed 15235021 (cited by Labcorp Genetics (formerly Invitae), Labcorp); PubMed 20373070 (cited by Labcorp Genetics (formerly Invitae), Labcorp).